The following is an entry in ClinVar:

ClinVar aggregate classification (germline): Uncertain significance. Review status: criteria provided, multiple submitters, no conflicts (2 of 4 stars). 2 submissions from 2 submitters: Uncertain significance (2). Last evaluated 2026-01-21.

Conditions:
Cardiovascular phenotype. Identifiers: MedGen CN230736.
Legius syndrome. Identifiers: Orphanet 137605, MedGen C1969623, MONDO:0012669, OMIM 611431. Disease mechanism: loss of function.

gnomAD v4.1: 1 of 1,614,132 alleles (0.000062%); no homozygotes.

Submissions (2):

Labcorp Genetics (formerly Invitae), Labcorp
Classification: Uncertain significance for Legius syndrome. Last evaluated: 2026-01-21. Review status: criteria provided, single submitter. Criteria: Invitae Variant Classification Sherloc (09022015). Collection method: clinical testing. Allele origin: germline.
Comment: This sequence change replaces leucine, which is neutral and non-polar, with valine, which is neutral and non-polar, at codon 293 of the SPRED1 protein (p.Leu293Val). This variant is not present in population databases (gnomAD no frequency). This missense change has been observed in individual(s) with Legius syndrome (internal data). ClinVar contains an entry for this variant (Variation ID: 2587854). Invitae Evidence Modeling of protein sequence and biophysical properties (such as structural, functional, and spatial information, amino acid conservation, physicochemical variation, residue mobility, and thermodynamic stability) indicates that this missense variant is not expected to disrupt SPRED1 protein function with a negative predictive value of 80%. In summary, the available evidence is currently insufficient to determine the role of this variant in disease. Therefore, it has been classified as a Variant of Uncertain Significance.

Ambry Genetics
Classification: Uncertain significance for Cardiovascular phenotype. Last evaluated: 2023-08-02. Review status: criteria provided, single submitter. Criteria: Ambry Variant Classification Scheme 2023. Collection method: clinical testing. Allele origin: germline.
Comment: The p.L293V variant (also known as c.877C>G), located in coding exon 7 of the SPRED1 gene, results from a C to G substitution at nucleotide position 877. The leucine at codon 293 is replaced by valine, an amino acid with highly similar properties. This amino acid position is conserved. In addition, this alteration is predicted to be tolerated by in silico analysis. Since supporting evidence is limited at this time, the clinical significance of this alteration remains unclear.

NM_152594.3(SPRED1):c.877C>G (p.Leu293Val)

Gene: SPRED1 (sprouty related EVH1 domain containing 1; plus strand). Cytogenetic location: 15q14.
Variant type: single nucleotide variant.
Coding change: c.877C>G on transcript NM_152594.3 (MANE Select); coding-DNA position 877, C replaced by G.
Protein change: p.Leu293Val; replaces leucine 293 with valine.
Molecular consequence: missense variant.
Genome position (GRCh38, 1-based): chr15:38,351,206, C>G. VCF-style: chr15-38351206-C-G. GRCh37 (hg19) VCF-style: chr15-38643407-C-G.
Other names: short protein forms L293V.
Identifiers: ClinVar variation 2587854 (VCV002587854.5), dbSNP rs1888476201, ClinGen allele CA391933454.